The following is an entry in ClinVar:

NM_000059.4(BRCA2):c.4963T>C (p.Tyr1655His)

Gene: BRCA2 (BRCA2 DNA repair associated; plus strand). Cytogenetic location: 13q13.1.
Variant type: single nucleotide variant.
Coding change: c.4963T>C on transcript NM_000059.4 (MANE Select); coding-DNA position 4963, T replaced by C.
Protein change: p.Tyr1655His; replaces tyrosine 1655 with histidine.
Molecular consequence: missense variant.
Genome position (GRCh38, 1-based): chr13:32,339,318, T>C. VCF-style: chr13-32339318-T-C. GRCh37 (hg19) VCF-style: chr13-32913455-T-C.
Other names: short protein forms Y1655H.
Identifiers: ClinVar variation 825327 (VCV000825327.6), dbSNP rs1593903956, ClinGen allele CA387783795.

ClinVar aggregate classification (germline): Conflicting classifications of pathogenicity. Review status: criteria provided, conflicting classifications (1 of 4 stars). 2 submissions from 2 submitters: Uncertain significance (1); Likely benign (1). Last evaluated 2023-03-23.

Conditions:
Hereditary cancer-predisposing syndrome. Also called: Neoplastic Syndromes, Hereditary; Tumor predisposition; Hereditary neoplastic syndrome; Hereditary Cancer Syndrome. Identifiers: Orphanet 140162, MedGen C0027672, MeSH D009386, MONDO:0015356.

Submissions (2):

University of Washington Department of Laboratory Medicine, University of Washington
Classification: Likely benign for Hereditary cancer-predisposing syndrome. Last evaluated: 2023-03-23. Review status: criteria provided, single submitter. Criteria: Dines et al. (Genet Med. 2020). Collection method: curation. Allele origin: germline.
Comment: Missense variant in a coldspot region where missense variants are very unlikely to be pathogenic (PMID:31911673).

BRCA2 exon 11 coldspot. Reclassification based on statistical prior probability.

Ambry Genetics
Classification: Uncertain significance for Hereditary cancer-predisposing syndrome. Last evaluated: 2019-03-08. Review status: criteria provided, single submitter. Criteria: Ambry Variant Classification Scheme 2023. Collection method: clinical testing. Allele origin: germline.
Comment: The p.Y1655H variant (also known as c.4963T>C), located in coding exon 10 of the BRCA2 gene, results from a T to C substitution at nucleotide position 4963. The tyrosine at codon 1655 is replaced by histidine, an amino acid with similar properties. This amino acid position is poorly conserved in available vertebrate species. In addition, this alteration is predicted to be tolerated by in silico analysis. Since supporting evidence is limited at this time, the clinical significance of this alteration remains unclear.